The following is an entry in ClinVar:

NM_016169.4(SUFU):c.727A>T (p.Thr243Ser)

Gene: SUFU (SUFU negative regulator of hedgehog signaling; plus strand). Cytogenetic location: 10q24.32.
Variant type: single nucleotide variant.
Coding change: c.727A>T on transcript NM_016169.4 (MANE Select); coding-DNA position 727, A replaced by T.
Protein change: p.Thr243Ser; replaces threonine 243 with serine.
Molecular consequence: missense variant.
Genome position (GRCh38, 1-based): chr10:102,594,036, A>T. VCF-style: chr10-102594036-A-T. GRCh37 (hg19) VCF-style: chr10-104353793-A-T.
Other names: c.727A>T, p.Thr243Ser (NM_001178133.2); short protein forms T243S.
Identifiers: ClinVar variation 1448384 (VCV001448384.15), dbSNP rs762294261, ClinGen allele CA5667760.

ClinVar aggregate classification (germline): Uncertain significance. Review status: criteria provided, multiple submitters, no conflicts (2 of 4 stars). 2 submissions from 2 submitters: Uncertain significance (2). Last evaluated 2025-04-10.

Conditions:
Hereditary cancer-predisposing syndrome. Also called: Tumor predisposition; Hereditary neoplastic syndrome; Hereditary Cancer Syndrome; Neoplastic Syndromes, Hereditary. Identifiers: Orphanet 140162, MedGen C0027672, MeSH D009386, MONDO:0015356.
Gorlin syndrome. Also called: Basal cell nevus syndrome; Nevoid Basal Cell Carcinoma Syndrome. Identifiers: Orphanet 377, MedGen C0004779, MONDO:0007187.
Medulloblastoma (MDB). Also called: MEDULLOBLASTOMA PREDISPOSITION SYNDROME; Medulloblastoma, somatic. Identifiers: Orphanet 616, MedGen C0025149, MeSH D008527, MONDO:0007959, OMIM 155255, HP:0002885.

Allele frequency attached by ClinVar (database versions not stated): gnomAD exomes below 0.00001; ExAC 0.00001.
gnomAD v4.1: 1 of 1,613,262 alleles (0.000062%); highest among the groups gnomAD compares: Non-Finnish European, 0.000085%; no homozygotes.

Submissions (2):

Ambry Genetics
Classification: Uncertain significance for Hereditary cancer-predisposing syndrome. Last evaluated: 2025-04-10. Review status: criteria provided, single submitter. Criteria: Ambry Variant Classification Scheme 2023. Collection method: clinical testing. Allele origin: germline.
Comment: The p.T243S variant (also known as c.727A>T), located in coding exon 6 of the SUFU gene, results from an A to T substitution at nucleotide position 727. The threonine at codon 243 is replaced by serine, an amino acid with similar properties. This amino acid position is highly conserved in available vertebrate species. In addition, the in silico prediction for this alteration is inconclusive. Since supporting evidence is limited at this time, the clinical significance of this alteration remains unclear.

Labcorp Genetics (formerly Invitae), Labcorp
Classification: Uncertain significance for Gorlin syndrome; Medulloblastoma. Last evaluated: 2023-11-16. Review status: criteria provided, single submitter. Criteria: Invitae Variant Classification Sherloc (09022015). Collection method: clinical testing. Allele origin: germline.
Comment: This sequence change replaces threonine, which is neutral and polar, with serine, which is neutral and polar, at codon 243 of the SUFU protein (p.Thr243Ser). This variant is present in population databases (rs762294261, gnomAD 0.0009%). This variant has not been reported in the literature in individuals affected with SUFU-related conditions. ClinVar contains an entry for this variant (Variation ID: 1448384). Advanced modeling of protein sequence and biophysical properties (such as structural, functional, and spatial information, amino acid conservation, physicochemical variation, residue mobility, and thermodynamic stability) performed at Invitae indicates that this missense variant is not expected to disrupt SUFU protein function with a negative predictive value of 80%. In summary, the available evidence is currently insufficient to determine the role of this variant in disease. Therefore, it has been classified as a Variant of Uncertain Significance.